The following is an entry in ClinVar:

NM_002602.4(PDE6G):c.*45G>A

Gene: PDE6G (phosphodiesterase 6G; minus strand). Cytogenetic location: 17q25.3.
Variant type: single nucleotide variant.
Coding change: c.*45G>A on transcript NM_002602.4 (MANE Select); 45 bases downstream of the stop codon, G replaced by A.
Molecular consequence: 3 prime UTR variant. On other transcripts: non-coding transcript variant (2).
Genome position (GRCh38, 1-based): chr17:81,651,029, C>T on the plus strand (G>A on the coding strand, the complement: PDE6G is on the minus strand). VCF-style: chr17-81651029-C-T. GRCh37 (hg19) VCF-style: chr17-79618059-C-T.
Other names: c.*45G>A (NM_001365724.1, NM_001365725.1).
Identifiers: ClinVar variation 325860 (VCV000325860.8), dbSNP rs8477, ClinGen allele CA8838966.
Genomic context (GRCh38, chr17:81,651,029, plus strand): 5'-GGTGCCATCTGGGCTAGGGAGGCATCTCCTCAACAGGAATCCTGAGCAGGGTTTAGAGCA[C>T]AGTGGGCAGGAGGGGGAGGGTCTGGACTTCAGCAGGGCCTCGTGCTAGATGATGCCATAT-3'

ClinVar aggregate classification (germline): Benign. Review status: criteria provided, multiple submitters, no conflicts (2 of 4 stars). 3 submissions from 3 submitters: Benign (3). Last evaluated 2021-09-05.

Conditions:
Retinitis pigmentosa 57 (RP57). Identifiers: Orphanet 791, MedGen C3150821, MONDO:0013315, OMIM 613582.
Retinitis pigmentosa (RP). Identifiers: Orphanet 791, MedGen C0035334, MeSH D012174, MONDO:0019200, OMIM 268000. Inheritance: Autosomal dominant, autosomal recessive and X linked inheritance.

Allele frequency attached by ClinVar (database versions not stated): gnomAD 0.45928 and 0.45150; gnomAD exomes 0.47076 and 0.38943; ExAC 0.47475; TOPMed 0.48310; 1000 Genomes Project 30x 0.58370; 1000 Genomes Project 0.58506; ESP Exome Variant Server 0.43418.
gnomAD v4.1: 544,433 of 1,367,448 alleles (40%); highest among the groups gnomAD compares: East Asian, 75%; 119,457 homozygotes.

Submissions (3):

Genome-Nilou Lab
Classification: Benign for Retinitis pigmentosa 57. Last evaluated: 2021-09-05. Review status: criteria provided, single submitter. Criteria: ACMG Guidelines, 2015. Collection method: clinical testing. Allele origin: germline. Affected: no.

Illumina Laboratory Services, Illumina
Classification: Benign for Retinitis pigmentosa. Last evaluated: 2018-01-13. Review status: criteria provided, single submitter. Criteria: ICSL Variant Classification Criteria 13 December 2019. Collection method: clinical testing. Allele origin: germline.
Comment: This variant was observed in the ICSL laboratory as part of a predisposition screen in an ostensibly healthy population. It had not been previously curated by ICSL or reported in the Human Gene Mutation Database (HGMD: prior to June 1st, 2018), and was therefore a candidate for classification through an automated scoring system. Utilizing variant allele frequency, disease prevalence and penetrance estimates, and inheritance mode, an automated score was calculated to assess if this variant is too frequent to cause the disease. Based on the score and internal cut-off values, a variant classified as benign is not then subjected to further curation. The score for this variant resulted in a classification of benign for this disease.

Breakthrough Genomics
Classification: Benign. Review status: criteria provided, single submitter. Criteria: ACMG Guidelines, 2015. Collection method: not provided. Allele origin: germline. Inheritance: Autosomal recessive inheritance. Affected: yes.